The following is an entry in ClinVar:

NM_000035.4(ALDOB):c.1027T>C (p.Tyr343His)

Gene: ALDOB (aldolase, fructose-bisphosphate B; minus strand). Cytogenetic location: 9q31.1.
Variant type: single nucleotide variant.
Coding change: c.1027T>C on transcript NM_000035.4 (MANE Select); coding-DNA position 1027, T replaced by C.
Protein change: p.Tyr343His; replaces tyrosine 343 with histidine.
Molecular consequence: missense variant.
Genome position (GRCh38, 1-based): chr9:101,421,877, A>G on the plus strand (T>C on the coding strand, the complement: ALDOB is on the minus strand). VCF-style: chr9-101421877-A-G. GRCh37 (hg19) VCF-style: chr9-104184159-A-G.
Other names: c.1027T>C, p.Tyr343His (LRG_1244t1); short protein forms Y343H.
Identifiers: ClinVar variation 30980 (VCV000030980.6), dbSNP rs369586696, ClinGen allele CA129581.

ClinVar aggregate classification (germline): Uncertain significance. Review status: criteria provided, single submitter (1 of 4 stars). 4 submissions from 4 submitters: Uncertain significance (1). 3 of the submissions do not count toward it. Last evaluated 2023-02-16.

Conditions:
Hereditary fructosuria. Also called: Hereditary fructose intolerance; Fructose intolerance; ALDOB DEFICIENCY; ALDOLASE B DEFICIENCY; FRUCTOSE-1,6-BISPHOSPHATE ALDOLASE B DEFICIENCY; FRUCTOSE-1-PHOSPHATE ALDOLASE DEFICIENCY. Identifiers: Orphanet 469, MedGen C0016751, MONDO:0009249, OMIM 229600, HP:0005973. Disease mechanism: loss of function.

Allele frequency attached by ClinVar (database versions not stated): gnomAD exomes below 0.00001 and 0.00009; ExAC 0.00001; TOPMed 0.00001; gnomAD 0.00002; ESP Exome Variant Server 0.00008.
gnomAD v4.1: 136 of 1,613,898 alleles (0.0084%); highest among the groups gnomAD compares: Non-Finnish European, 0.011%; no homozygotes.

Submissions (4):

Women's Health and Genetics/Laboratory Corporation of America, LabCorp
Classification: Uncertain significance. Last evaluated: 2023-02-16. Review status: criteria provided, single submitter. Criteria: LabCorp Variant Classification Summary - May 2015. Collection method: clinical testing. Allele origin: germline.
Comment: Variant summary: ALDOB c.1027T>C (p.Tyr343His) results in a conservative amino acid change in the encoded protein sequence. Four of five in-silico tools predict a damaging effect of the variant on protein function. The variant allele was found at a frequency of 4e-06 in 250602 control chromosomes (gnomAD). The available data on variant occurrences in the general population are insufficient to allow any conclusion about variant significance. The variant, c.1027T>C, has been reported in the literature in an individual affected with Hereditary Fructose Intolerance (Esposito_2010), however no second variant was identified in this patient. Authors of this study also reported experimental evidence evaluating an impact on protein function, and demonstrated almost no effect on enzymatic activity at 30 degrees Celsius, but increasingly reduced activity at higher temperatures, in addition, thermal denaturation experiments confirmed the temperature dependent activity of the Tyr343His variant protein (Esposito_2010). Two clinical diagnostic laboratories have submitted clinical-significance assessments for this variant to ClinVar after 2014 without evidence for independent evaluation. One laboratory classified the variant as likely pathogenic, and one laboratory classified the variant as uncertain significance. Based on the evidence outlined above, the variant was classified as VUS-possibly pathogenic.

ATS em Genética Clínica, Universidade Federal do Rio Grande do Sul
Classification: Likely pathogenic for Hereditary fructosuria. Last evaluated: 2021-03-18. Review status: no assertion criteria provided. Collection method: literature only. Allele origin: unknown. Affected: yes. Not counted in ClinVar's aggregate classification.

Counsyl
Classification: Uncertain significance for Hereditary fructosuria. Last evaluated: 2017-07-07. Review status: no assertion criteria provided. Collection method: clinical testing. Allele origin: unknown. Not counted in ClinVar's aggregate classification.

OMIM
Classification: Pathogenic for FRUCTOSE INTOLERANCE, HEREDITARY. Last evaluated: 2010-12-01. Review status: no assertion criteria provided. Collection method: literature only. Allele origin: germline. Not counted in ClinVar's aggregate classification.

Literature cited by the submitters: PubMed 20848650 (cited by 4 submitters).